The following is an entry in ClinVar:

ClinVar aggregate classification (germline): Uncertain significance. Review status: criteria provided, multiple submitters, no conflicts (2 of 4 stars). 5 submissions from 5 submitters: Uncertain significance (5). Last evaluated 2024-04-05.

Conditions:
Hereditary cancer-predisposing syndrome. Also called: Neoplastic Syndromes, Hereditary; Tumor predisposition; Hereditary Cancer Syndrome; Hereditary neoplastic syndrome. Identifiers: Orphanet 140162, MedGen C0027672, MeSH D009386, MONDO:0015356.
Classic or attenuated familial adenomatous polyposis. Identifiers: MedGen CN372698, MONDO:0021057.
Familial adenomatous polyposis 1 (FAP1). Also called: FAMILIAL ADENOMATOUS POLYPOSIS 1, ATTENUATED; POLYPOSIS, ADENOMATOUS INTESTINAL. Identifiers: MedGen C2713442, MONDO:0021056, OMIM 175100. Disease mechanism: loss of function.

Submissions (5):

GeneDx
Classification: Uncertain significance. Last evaluated: 2024-04-05. Review status: criteria provided, single submitter. Criteria: GeneDx Variant Classification Process June 2021. Collection method: clinical testing. Allele origin: germline. Affected: yes.
Comment: Not observed at significant frequency in large population cohorts (gnomAD); In silico analysis supports that this missense variant has a deleterious effect on protein structure/function; Has not been previously published as pathogenic or benign to our knowledge; This variant is associated with the following publications: (PMID: 18199528)

Labcorp Genetics (formerly Invitae), Labcorp
Classification: Uncertain significance for Familial adenomatous polyposis 1. Last evaluated: 2024-03-19. Review status: criteria provided, single submitter. Criteria: Invitae Variant Classification Sherloc (09022015). Collection method: clinical testing. Allele origin: germline.
Comment: This sequence change replaces proline, which is neutral and non-polar, with threonine, which is neutral and polar, at codon 1440 of the APC protein (p.Pro1440Thr). This variant is not present in population databases (gnomAD no frequency). This variant has not been reported in the literature in individuals affected with APC-related conditions. ClinVar contains an entry for this variant (Variation ID: 482484). Advanced modeling of protein sequence and biophysical properties (such as structural, functional, and spatial information, amino acid conservation, physicochemical variation, residue mobility, and thermodynamic stability) performed at Invitae indicates that this missense variant is not expected to disrupt APC protein function with a negative predictive value of 95%. In summary, the available evidence is currently insufficient to determine the role of this variant in disease. Therefore, it has been classified as a Variant of Uncertain Significance.

Ambry Genetics
Classification: Uncertain significance for Hereditary cancer-predisposing syndrome. Last evaluated: 2023-08-25. Review status: criteria provided, single submitter. Criteria: Ambry Variant Classification Scheme 2023. Collection method: clinical testing. Allele origin: germline.
Comment: The p.P1440T variant (also known as c.4318C>A), located in coding exon 15 of the APC gene, results from a C to A substitution at nucleotide position 4318. The proline at codon 1440 is replaced by threonine, an amino acid with highly similar properties. This amino acid position is highly conserved in available vertebrate species. In addition, in silico predictors for this gene do not accurately predict pathogenicity. Since supporting evidence is limited at this time, the clinical significance of this alteration remains unclear.

All of Us Research Program, National Institutes of Health
Classification: Uncertain significance for Classic or attenuated familial adenomatous polyposis. Last evaluated: 2023-08-15. Review status: criteria provided, single submitter. Criteria: ACMG Guidelines, 2015. Collection method: clinical testing. Allele origin: germline. Inheritance: Autosomal dominant inheritance. Observed: 1 variant allele, 1 heterozygote.
Comment: This study involves interpretation of variants in research participants for the purpose of population health screening. Participant phenotype was not available at the time of variant classification. Additional details can be found in publication PMID: 35346344, PMCID: PMC8962531

Color Diagnostics, LLC DBA Color Health
Classification: Uncertain significance for Hereditary cancer-predisposing syndrome. Last evaluated: 2019-01-10. Review status: criteria provided, single submitter. Criteria: ACMG Guidelines, 2015. Collection method: clinical testing. Allele origin: germline.

NM_000038.6(APC):c.4318C>A (p.Pro1440Thr)

Gene: APC (APC regulator of Wnt signaling pathway; plus strand). Cytogenetic location: 5q22.2.
Variant type: single nucleotide variant.
Coding change: c.4318C>A on transcript NM_000038.6 (MANE Select); coding-DNA position 4318, C replaced by A.
Protein change: p.Pro1440Thr; replaces proline 1440 with threonine.
Molecular consequence: missense variant.
Genome position (GRCh38, 1-based): chr5:112,839,912, C>A. VCF-style: chr5-112839912-C-A. GRCh37 (hg19) VCF-style: chr5-112175609-C-A.
Other names: c.4318C>A, p.Pro1440Thr (NM_001127510.3, NM_001354895.2); c.4264C>A, p.Pro1422Thr (NM_001127511.3); c.4372C>A, p.Pro1458Thr (NM_001354896.2); c.4348C>A, p.Pro1450Thr (NM_001354897.2); c.4243C>A, p.Pro1415Thr (NM_001354898.2); c.4234C>A, p.Pro1412Thr (NM_001354899.2); c.4195C>A, p.Pro1399Thr (NM_001354900.2); c.4141C>A, p.Pro1381Thr (NM_001354901.2); and 5 more; short protein forms P1422T, P1440T, P1280T, P1339T, P1399T, P1157T, P1381T, P1458T.
Identifiers: ClinVar variation 482484 (VCV000482484.18), dbSNP rs1554085758, ClinGen allele CA16030795.